The following is an entry in ClinVar:

NM_006939.4(SOS2):c.3961A>C (p.Arg1321=)

Gene: SOS2 (SOS Ras/Rho guanine nucleotide exchange factor 2; minus strand). Cytogenetic location: 14q21.3.
Variant type: single nucleotide variant.
Coding change: c.3961A>C on transcript NM_006939.4 (MANE Select); coding-DNA position 3961, A replaced by C.
Protein change: p.Arg1321=; no amino-acid change (arginine 1321 retained).
Molecular consequence: synonymous variant.
Genome position (GRCh38, 1-based): chr14:50,118,382, T>G on the plus strand (A>C on the coding strand, the complement: SOS2 is on the minus strand). VCF-style: chr14-50118382-T-G. GRCh37 (hg19) VCF-style: chr14-50585100-T-G.
Other names: c.3862A>C, p.Arg1288= (NM_001411020.1).
Identifiers: ClinVar variation 3388717 (VCV003388717.14).

ClinVar aggregate classification (germline): Uncertain significance (1 of 4 stars; one submission).

Submission:

CeGaT Center for Human Genetics Tuebingen
Classification: Uncertain significance. Last evaluated: 2024-11-01. Review status: criteria provided, single submitter. Criteria: CeGaT Center For Human Genetics Tuebingen Variant Classification Criteria Version 2. Collection method: clinical testing. Allele origin: germline. Affected: yes. Observed: 1 variant allele.
Comment: SOS2: PM2:Supporting, BP4